The following is an entry in ClinVar:

ClinVar aggregate classification (germline): Likely pathogenic (1 of 4 stars; one submission).

Conditions:
Intellectual developmental disorder, X-linked, syndromic 33. Also called: Intellectual disability, X-linked, syndromic 33; X-linked intellectual disability-global development delay-facial dysmorphism-sacral caudal remnant syndrome. Identifiers: Orphanet 480907, MedGen C4225418, MONDO:0010500, OMIM 300966.

Submissions (2):

Women's Health and Genetics/Laboratory Corporation of America, LabCorp
Classification: Likely pathogenic for Intellectual developmental disorder, X-linked, syndromic 33. Last evaluated: 2023-04-05. Review status: criteria provided, single submitter. Criteria: LabCorp Variant Classification Summary - May 2015. Collection method: clinical testing. Allele origin: germline.
Comment: Variant summary: TAF1 c.3467-1G>A is located in a canonical splice-site and is predicted to affect mRNA splicing resulting in a significantly altered protein due to either exon skipping, shortening, or inclusion of intronic material. Several computational tools predict a significant impact on normal splicing: Four predict the variant abolishes the canonical 3' acceptor site and three predict that the variant also strengthens/creates a new 3' acceptor site. However, these predictions have yet to be confirmed by functional studies. The variant was absent in 180585 control chromosomes (gnomAD). To our knowledge, no occurrence of c.3467-1G>A in individuals affected with Mental Retardation, X-Linked, Syndromic 33 and no experimental evidence demonstrating its impact on protein function have been reported. No clinical diagnostic laboratories have submitted clinical-significance assessments for this variant to ClinVar after 2014. Based on the evidence outlined above, the variant was classified as likely pathogenic.

Dr. Peter K. Rogan Lab, Western University
No classification provided (evidence only). Condition: Thyroid cancer, nonmedullary, 1. Review status: no classification provided. Collection method: in vitro. Allele origin: not applicable. Functional consequence: retained intron. Not counted in ClinVar's aggregate classification.

NM_004606.5(TAF1):c.3407-1G>A

Gene: TAF1 (TATA-box binding protein associated factor 1; plus strand). Cytogenetic location: Xq13.1.
Variant type: single nucleotide variant.
Coding change: c.3407-1G>A on transcript NM_004606.5 (MANE Select); the canonical splice acceptor site of the intron before coding-DNA position 3407, G replaced by A.
Molecular consequence: splice acceptor variant.
Genome position (GRCh38, 1-based): chrX:71,397,252, G>A. VCF-style: chrX-71397252-G-A. GRCh37 (hg19) VCF-style: chrX-70617102-G-A.
Other names: NC_000023.10:g.70617102G>A; c.3407-1G>A (NM_001286074.2); c.3344-1G>A (NM_138923.4).
Identifiers: ClinVar variation 2504010 (VCV002504010.2), dbSNP rs2520597428, ClinGen allele CA413530106.